The following continues an entry in ClinVar:

NM_000059.4(BRCA2):c.6833_6837del (p.Ile2278fs)

Gene: BRCA2. ClinVar aggregate classification (germline): Pathogenic. Pathogenic (1).

Submissions 11 to 15 of 15:

Women's Health and Genetics/Laboratory Corporation of America, LabCorp
Classification: Pathogenic for Hereditary breast ovarian cancer syndrome. Last evaluated: 2021-05-29. Review status: criteria provided, single submitter. Criteria: LabCorp Variant Classification Summary - May 2015. Collection method: clinical testing. Allele origin: germline. Not counted in ClinVar's aggregate classification.
Comment: Variant summary: BRCA2 c.6833_6837delTCTTA (p.Ile2278SerfsX13) results in a premature termination codon, predicted to cause a truncation of the encoded protein or absence of the protein due to nonsense mediated decay, which are commonly known mechanisms for disease. Truncations downstream of this position have been classified as pathogenic by our laboratory. The variant was absent in 250196 control chromosomes. c.6833_6837delTCTTA has been reported in the literature in individuals affected with Hereditary Breast And Ovarian Cancer Syndrome (example, Rebbeck_2018). These data indicate that the variant is likely to be associated with disease. To our knowledge, no experimental evidence demonstrating an impact on protein function has been reported. Multiple clinical diagnostic laboratories, an expert panel (ENIGMA) and a consortium (CIMBA) have submitted clinical-significance assessments for this variant to ClinVar after 2014 without evidence for independent evaluation. All submitters classified the variant as pathogenic. Based on the evidence outlined above, the variant was classified as pathogenic.

Consortium of Investigators of Modifiers of BRCA1/2 (CIMBA), c/o University of Cambridge
Classification: Pathogenic for Breast-ovarian cancer, familial, susceptibility to, 2. Last evaluated: 2015-10-02. Review status: criteria provided, single submitter. Criteria: CIMBA Mutation Classification guidelines May 2016. Collection method: clinical testing. Allele origin: germline. Not counted in ClinVar's aggregate classification.

Counsyl
Classification: Pathogenic for Breast-ovarian cancer, familial, susceptibility to, 2. Last evaluated: 2018-04-02. Review status: no assertion criteria provided. Collection method: clinical testing. Allele origin: unknown. Not counted in ClinVar's aggregate classification.

Research Molecular Genetics Laboratory, Women's College Hospital, University of Toronto
Classification: Pathogenic for Hereditary breast ovarian cancer syndrome. Last evaluated: 2014-01-31. Review status: no assertion criteria provided. Collection method: research. Allele origin: germline. Affected: yes. Study: The Canadian Open Genetics Repository (COGR). Not counted in ClinVar's aggregate classification.

Breast Cancer Information Core (BIC) (BRCA2)
Classification: Pathogenic for Breast-ovarian cancer, familial 2. Last evaluated: 2004-02-20. Review status: no assertion criteria provided. Collection method: clinical testing. Allele origin: germline. Affected: yes. Observed: 1 variant allele. Not counted in ClinVar's aggregate classification.

Literature cited by the submitters: PubMed 20104584 (cited by Labcorp Genetics (formerly Invitae), Labcorp and GeneKor MSA); PubMed 8988179 (cited by 5 submitters); PubMed 30103829 (cited by 4 submitters); PubMed 29446198 (cited by 4 submitters); PubMed 34072659 (cited by Quest Diagnostics Nichols Institute San Juan Capistrano and Color Diagnostics, LLC DBA Color Health); PubMed 32341426 (cited by Quest Diagnostics Nichols Institute San Juan Capistrano and Color Diagnostics, LLC DBA Color Health); PubMed 31853058 (cited by Quest Diagnostics Nichols Institute San Juan Capistrano and All of Us Research Program, National Institutes of Health); PubMed 27153395 (cited by Quest Diagnostics Nichols Institute San Juan Capistrano and All of Us Research Program, National Institutes of Health); PubMed 31341520 (cited by Quest Diagnostics Nichols Institute San Juan Capistrano and All of Us Research Program, National Institutes of Health); PubMed 32614418 (cited by Quest Diagnostics Nichols Institute San Juan Capistrano and All of Us Research Program, National Institutes of Health); PubMed 33471991 (cited by Quest Diagnostics Nichols Institute San Juan Capistrano and Color Diagnostics, LLC DBA Color Health); PubMed 11897832 (cited by All of Us Research Program, National Institutes of Health); PubMed 12036913 (cited by Color Diagnostics, LLC DBA Color Health and Counsyl); PubMed 22762150 (cited by Counsyl).